The following is an entry in ClinVar:

ClinVar aggregate classification (germline): Uncertain significance (1 of 4 stars; one submission).

Allele frequency attached by ClinVar (database versions not stated): gnomAD exomes below 0.00001.
gnomAD v4.1: 2 of 1,614,176 alleles (0.00012%); highest among the groups gnomAD compares: Non-Finnish European, 0.00017%; no homozygotes.

Submission:

Labcorp Genetics (formerly Invitae), Labcorp
Classification: Uncertain significance. Last evaluated: 2022-06-25. Review status: criteria provided, single submitter. Criteria: Invitae Variant Classification Sherloc (09022015). Collection method: clinical testing. Allele origin: germline.
Comment: Algorithms developed to predict the effect of missense changes on protein structure and function are either unavailable or do not agree on the potential impact of this missense change (SIFT: "Tolerated"; PolyPhen-2: "Possibly Damaging"; Align-GVGD: "Class C0"). This variant has not been reported in the literature in individuals affected with NSMCE3-related conditions. This variant is not present in population databases (gnomAD no frequency). This sequence change replaces glutamic acid, which is acidic and polar, with glutamine, which is neutral and polar, at codon 284 of the NSMCE3 protein (p.Glu284Gln). In summary, the available evidence is currently insufficient to determine the role of this variant in disease. Therefore, it has been classified as a Variant of Uncertain Significance.

NM_138704.4(NSMCE3):c.850G>C (p.Glu284Gln)

Genes: ENTREP2 (endosomal transmembrane epsin interactor 2; minus strand), NSMCE3 (NSE3 component of SMC5/6 complex; minus strand). Cytogenetic location: 15q13.1.
Variant type: single nucleotide variant.
Coding change: c.850G>C on transcript NM_138704.4 (MANE Select); coding-DNA position 850, G replaced by C.
Protein change: p.Glu284Gln; replaces glutamic acid 284 with glutamine.
Molecular consequence: missense variant. On other transcripts: intron variant (5).
Genome position (GRCh38, 1-based): chr15:29,268,856, C>G on the plus strand (G>C on the coding strand, the complement: NSMCE3 is on the minus strand). VCF-style: chr15-29268856-C-G. GRCh37 (hg19) VCF-style: chr15-29561060-C-G.
Other names: c.-12-16378G>C (NM_001387217.1, NM_001387215.1, NM_001387216.1); c.277-16378G>C (NM_001387214.1, NM_015307.2); short protein forms E284Q.
Identifiers: ClinVar variation 2007850 (VCV002007850.4), dbSNP rs2543791103, ClinGen allele CA391483349.